The following is an entry in ClinVar:

NM_001457.4(FLNB):c.4037C>A (p.Pro1346His)

Gene: FLNB (filamin B; plus strand). Cytogenetic location: 3p14.3.
Variant type: single nucleotide variant.
Coding change: c.4037C>A on transcript NM_001457.4 (MANE Select); coding-DNA position 4037, C replaced by A.
Protein change: p.Pro1346His; replaces proline 1346 with histidine.
Molecular consequence: missense variant.
Genome position (GRCh38, 1-based): chr3:58,125,719, C>A. VCF-style: chr3-58125719-C-A. GRCh37 (hg19) VCF-style: chr3-58111446-C-A.
Other names: c.4037C>A, p.Pro1346His (NM_001164317.2, NM_001164318.2, NM_001164319.2); short protein forms P1346H.
Identifiers: ClinVar variation 3361778 (VCV003361778.1).

ClinVar aggregate classification (germline): Uncertain significance (1 of 4 stars; one submission).

Submission:

GeneDx
Classification: Uncertain significance. Last evaluated: 2023-08-03. Review status: criteria provided, single submitter. Criteria: GeneDx Variant Classification Process June 2021. Collection method: clinical testing. Allele origin: germline. Affected: yes.
Comment: Not observed at significant frequency in large population cohorts (gnomAD); In silico analysis supports that this missense variant has a deleterious effect on protein structure/function; Has not been previously published as pathogenic or benign to our knowledge.